The following is an entry in ClinVar:

ClinVar aggregate classification (germline): Uncertain significance (1 of 4 stars; one submission).

Conditions:
DiGeorge syndrome. Also called: THIRD AND FOURTH PHARYNGEAL POUCH SYNDROME; Catch22. Identifiers: Orphanet 567, MedGen C0012236, MONDO:0008564, OMIM 188400.

Allele frequency attached by ClinVar (database versions not stated): TOPMed below 0.00001; gnomAD 0.00002.
gnomAD v4.1: 25 of 1,315,280 alleles (0.0019%); highest among the groups gnomAD compares: Admixed American, 0.011%; no homozygotes.

Submission:

Labcorp Genetics (formerly Invitae), Labcorp
Classification: Uncertain significance for DiGeorge syndrome. Last evaluated: 2022-10-02. Review status: criteria provided, single submitter. Criteria: Invitae Variant Classification Sherloc (09022015). Collection method: clinical testing. Allele origin: germline.
Comment: In summary, the available evidence is currently insufficient to determine the role of this variant in disease. Therefore, it has been classified as a Variant of Uncertain Significance. Algorithms developed to predict the effect of sequence changes on RNA splicing suggest that this variant may disrupt the consensus splice site. This variant has not been reported in the literature in individuals affected with TBX1-related conditions. The frequency data for this variant in the population databases is considered unreliable, as metrics indicate poor data quality at this position in the gnomAD database. This sequence change falls in intron 8 of the TBX1 gene. It does not directly change the encoded amino acid sequence of the TBX1 protein.

NM_001379200.1(TBX1):c.1037-11C>T

Gene: TBX1 (T-box transcription factor 1; plus strand). Cytogenetic location: 22q11.21.
Variant type: single nucleotide variant.
Coding change: c.1037-11C>T on transcript NM_001379200.1 (MANE Select); 11 bases into the intron before coding-DNA position 1037, C replaced by T.
Molecular consequence: intron variant.
Genome position (GRCh38, 1-based): chr22:19,766,378, C>T. VCF-style: chr22-19766378-C-T. GRCh37 (hg19) VCF-style: chr22-19753901-C-T.
Other names: c.1009+376C>T (NM_005992.1, NM_080646.2); c.1010-11C>T (NM_080647.1).
Identifiers: ClinVar variation 2031138 (VCV002031138.4), dbSNP rs1461974474, ClinGen allele CA638504305.